The following is an entry in ClinVar:

ClinVar aggregate classification (germline): Uncertain significance (1 of 4 stars; one submission).

Allele frequency attached by ClinVar (database versions not stated): gnomAD exomes 0.00001; ExAC 0.00001.
gnomAD v4.1: 4 of 1,212,155 alleles (0.00033%); highest among the groups gnomAD compares: South Asian, 0.007%; no homozygotes.

Submission:

GeneDx
Classification: Uncertain significance. Last evaluated: 2025-10-21. Review status: criteria provided, single submitter. Criteria: GeneDx Variant Classification Process June 2021. Collection method: clinical testing. Allele origin: germline. Affected: yes.
Comment: In silico analysis suggests that this missense variant does not alter protein structure/function; Has not been previously published as pathogenic or benign to our knowledge

NM_001379451.1(BCORL1):c.2428C>T (p.Pro810Ser)

Gene: BCORL1 (BCL6 corepressor like 1; plus strand). Cytogenetic location: Xq26.1.
Variant type: single nucleotide variant.
Coding change: c.2428C>T on transcript NM_001379451.1 (MANE Select); coding-DNA position 2428, C replaced by T.
Protein change: p.Pro810Ser; replaces proline 810 with serine.
Molecular consequence: missense variant.
Genome position (GRCh38, 1-based): chrX:130,015,200, C>T. VCF-style: chrX-130015200-C-T. GRCh37 (hg19) VCF-style: chrX-129149176-C-T.
Other names: c.2428C>T, p.Pro810Ser (NM_001184772.3, NM_001379450.1, NM_021946.5); short protein forms P810S.
Identifiers: ClinVar variation 1314325 (VCV001314325.3), dbSNP rs760397145, ClinGen allele CA10514353.
Genomic context (GRCh38, chrX:130,015,200, plus strand): 5'-ATTGCCCCTGGGCTGCCAGGGTGCCAAACCAAGGAACTCTCTTTGTGGAAACCCACGGGG[C>T]CGGCAAATATTTATCCCCGGTGTTCAGTCAATGGGAAACCTACCAGCACCCAGGTCCTGC-3'
Protein context (NP_001366380.1, residues 800-820): KELSLWKPTG[Pro810Ser]ANIYPRCSVN